The following is an entry in ClinVar:

NM_024652.6(LRRK1):c.5773G>A (p.Gly1925Ser)

Genes: LRRK1 (leucine rich repeat kinase 1; plus strand), LRRK1-AS1 (LRRK1 antisense RNA 1; minus strand). Cytogenetic location: 15q26.3.
Variant type: single nucleotide variant.
Coding change: c.5773G>A on transcript NM_024652.6 (MANE Select); coding-DNA position 5773, G replaced by A.
Protein change: p.Gly1925Ser; replaces glycine 1925 with serine.
Molecular consequence: missense variant.
Genome position (GRCh38, 1-based): chr15:101,066,644, G>A. VCF-style: chr15-101066644-G-A. GRCh37 (hg19) VCF-style: chr15-101606849-G-A.
Other names: c.5773G>A (NM_024652.3); short protein forms G1925S.
Identifiers: ClinVar variation 2075333 (VCV002075333.3), dbSNP rs369056591, ClinGen allele CA7762251.

ClinVar aggregate classification (germline): Uncertain significance. Review status: criteria provided, multiple submitters, no conflicts (2 of 4 stars). 2 submissions from 2 submitters: Uncertain significance (2). Last evaluated 2024-06-22.

Conditions:
Inborn genetic diseases. Identifiers: MedGen C0950123, MeSH D030342.

Allele frequency attached by ClinVar (database versions not stated): gnomAD 0.00003; ExAC 0.00005; TOPMed 0.00005; ESP Exome Variant Server 0.00008.
gnomAD v4.1: 23 of 1,614,024 alleles (0.0014%); highest among the groups gnomAD compares: Admixed American, 0.0067%; no homozygotes.

Submissions (2):

Ambry Genetics
Classification: Uncertain significance for Inborn genetic diseases. Last evaluated: 2024-06-22. Review status: criteria provided, single submitter. Criteria: Ambry Variant Classification Scheme 2023. Collection method: clinical testing. Allele origin: germline.

Labcorp Genetics (formerly Invitae), Labcorp
Classification: Uncertain significance. Last evaluated: 2022-05-15. Review status: criteria provided, single submitter. Criteria: Invitae Variant Classification Sherloc (09022015). Collection method: clinical testing. Allele origin: germline.
Comment: In summary, the available evidence is currently insufficient to determine the role of this variant in disease. Therefore, it has been classified as a Variant of Uncertain Significance. Algorithms developed to predict the effect of missense changes on protein structure and function are either unavailable or do not agree on the potential impact of this missense change (SIFT: "Deleterious"; PolyPhen-2: "Possibly Damaging"; Align-GVGD: "Class C0"). This variant has not been reported in the literature in individuals affected with LRRK1-related conditions. This variant is present in population databases (rs369056591, gnomAD 0.009%). This sequence change replaces glycine, which is neutral and non-polar, with serine, which is neutral and polar, at codon 1925 of the LRRK1 protein (p.Gly1925Ser).